The following is an entry in ClinVar:

NM_031844.3(HNRNPU):c.1465A>C (p.Lys489Gln)

Gene: HNRNPU (heterogeneous nuclear ribonucleoprotein U; minus strand). Cytogenetic location: 1q44.
Variant type: single nucleotide variant.
Coding change: c.1465A>C on transcript NM_031844.3 (MANE Select); coding-DNA position 1465, A replaced by C.
Protein change: p.Lys489Gln; replaces lysine 489 with glutamine.
Molecular consequence: missense variant.
Genome position (GRCh38, 1-based): chr1:244,858,040, T>G on the plus strand (A>C on the coding strand, the complement: HNRNPU is on the minus strand). VCF-style: chr1-244858040-T-G. GRCh37 (hg19) VCF-style: chr1-245021342-T-G.
Other names: c.1408A>C, p.Lys470Gln (NM_004501.3); short protein forms K470Q, K489Q.
Identifiers: ClinVar variation 4874778 (VCV004874778.2).
Genomic context (GRCh38, chr1:244,858,040, plus strand): 5'-TGCCACAGTTAAAAAAAAAAAAATCCCTTACTTCACAATCTTTCTTCTCTTCAGGCCCCT[T>G]TGGTCCTCTAACTCGATCCTCTAAGGGGACGTTCTGGATGAAAGTATACTCTTCAGGTAT-3'
Protein context (NP_114032.2, residues 479-499): VPLEDRVRGP[Lys489Gln]GPEEKKDCEV

ClinVar aggregate classification (germline): Likely benign (1 of 4 stars; one submission).

gnomAD v4.1: 10 of 1,613,444 alleles (0.00062%); highest among the groups gnomAD compares: Non-Finnish European, 0.00076%; no homozygotes.

Submission:

CeGaT Center for Human Genetics Tuebingen
Classification: Likely benign. Last evaluated: 2026-04-01. Review status: criteria provided, single submitter. Criteria: CeGaT Center For Human Genetics Tuebingen Variant Classification Criteria Version 2. Collection method: clinical testing. Allele origin: germline. Affected: yes. Observed: 1 variant allele.
Comment: HNRNPU: PP2, BP4, BS2